The following is an entry in ClinVar:

ClinVar aggregate classification (germline): Uncertain significance (1 of 4 stars; one submission).

Conditions:
Hereditary cancer-predisposing syndrome. Also called: Neoplastic Syndromes, Hereditary; Hereditary neoplastic syndrome; Tumor predisposition; Hereditary Cancer Syndrome. Identifiers: Orphanet 140162, MedGen C0027672, MeSH D009386, MONDO:0015356.

Submission:

Labcorp Genetics (formerly Invitae), Labcorp
Classification: Uncertain significance for Hereditary cancer-predisposing syndrome. Last evaluated: 2021-08-03. Review status: criteria provided, single submitter. Criteria: Invitae Variant Classification Sherloc (09022015). Collection method: clinical testing. Allele origin: germline.
Comment: This sequence change falls in intron 8 of the RAD50 gene. It does not directly change the encoded amino acid sequence of the RAD50 protein. It affects a nucleotide within the consensus splice site of the intron. This variant is not present in population databases (ExAC no frequency). This variant has not been reported in the literature in individuals affected with RAD50-related conditions. Nucleotide substitutions within the consensus splice site are a relatively common cause of aberrant splicing (PMID: 17576681, 9536098). Algorithms developed to predict the effect of sequence changes on RNA splicing suggest that this variant is not likely to affect RNA splicing. In summary, the available evidence is currently insufficient to determine the role of this variant in disease. Therefore, it has been classified as a Variant of Uncertain Significance.

Literature cited by the submitters: PubMed 17576681; PubMed 9536098.

NM_005732.4(RAD50):c.1245+5G>A

Gene: RAD50 (RAD50 double strand break repair protein; plus strand). Cytogenetic location: 5q31.1.
Variant type: single nucleotide variant.
Coding change: c.1245+5G>A on transcript NM_005732.4 (MANE Select); 5 bases into the intron after coding-DNA position 1245, G replaced by A.
Molecular consequence: intron variant.
Genome position (GRCh38, 1-based): chr5:132,588,885, G>A. VCF-style: chr5-132588885-G-A. GRCh37 (hg19) VCF-style: chr5-131924577-G-A.
Identifiers: ClinVar variation 1393480 (VCV001393480.6), dbSNP rs2149841208, ClinGen allele CA2573138963.